The following is an entry in ClinVar:

ClinVar aggregate classification (germline): Uncertain significance. Review status: criteria provided, multiple submitters, no conflicts (2 of 4 stars). 2 submissions from 2 submitters: Uncertain significance (2). Last evaluated 2025-12-30.

gnomAD v4.1: 11 of 1,614,110 alleles (0.00068%); highest among the groups gnomAD compares: Non-Finnish European, 0.00076%; 1 homozygote.

Submissions (2):

Labcorp Genetics (formerly Invitae), Labcorp
Classification: Uncertain significance. Last evaluated: 2025-12-30. Review status: criteria provided, single submitter. Criteria: Invitae Variant Classification Sherloc (09022015). Collection method: clinical testing. Allele origin: germline.
Comment: This sequence change replaces serine, which is neutral and polar, with arginine, which is basic and polar, at codon 422 of the NPAT protein (p.Ser422Arg). This variant is present in population databases (rs371588210, gnomAD 0.003%). This variant has not been reported in the literature in individuals affected with NPAT-related conditions. ClinVar contains an entry for this variant (Variation ID: 1764196). An algorithm developed to predict the effect of missense changes on protein structure and function (PolyPhen-2) suggests that this variant is likely to be tolerated. In summary, the available evidence is currently insufficient to determine the role of this variant in disease. Therefore, it has been classified as a Variant of Uncertain Significance.

Ambry Genetics
Classification: Uncertain significance. Last evaluated: 2023-09-25. Review status: criteria provided, single submitter. Criteria: Ambry Variant Classification Scheme 2023. Collection method: clinical testing. Allele origin: germline.
Comment: The p.S422R variant (also known as c.1266C>G), located in coding exon 13 of the NPAT gene, results from a C to G substitution at nucleotide position 1266. The serine at codon 422 is replaced by arginine, an amino acid with dissimilar properties. This amino acid position is conserved. In addition, this alteration is predicted to be tolerated by in silico analysis. Since supporting evidence is limited at this time, the clinical significance of this alteration remains unclear.

NM_002519.3(NPAT):c.1266C>G (p.Ser422Arg)

Gene: NPAT (nuclear protein, coactivator of histone transcription; minus strand). Cytogenetic location: 11q22.3.
Variant type: single nucleotide variant.
Coding change: c.1266C>G on transcript NM_002519.3 (MANE Select); coding-DNA position 1266, C replaced by G.
Protein change: p.Ser422Arg; replaces serine 422 with arginine.
Molecular consequence: missense variant.
Genome position (GRCh38, 1-based): chr11:108,173,718, G>C on the plus strand (C>G on the coding strand, the complement: NPAT is on the minus strand). VCF-style: chr11-108173718-G-C. GRCh37 (hg19) VCF-style: chr11-108044445-G-C.
Other names: c.1266C>G, p.Ser422Arg (NM_001321307.1); short protein forms S422R.
Identifiers: ClinVar variation 1764196 (VCV001764196.5), dbSNP rs371588210, ClinGen allele CA6264032.